The following is an entry in ClinVar:

NM_001375405.1(CEP120):c.440G>A (p.Gly147Glu)

Gene: CEP120 (centrosomal protein 120; minus strand). Cytogenetic location: 5q23.2.
Variant type: single nucleotide variant.
Coding change: c.440G>A on transcript NM_001375405.1 (MANE Select); coding-DNA position 440, G replaced by A.
Protein change: p.Gly147Glu; replaces glycine 147 with glutamic acid.
Molecular consequence: missense variant. On other transcripts: 5 prime UTR variant (2), non-coding transcript variant (1).
Genome position (GRCh38, 1-based): chr5:123,412,422, C>T on the plus strand (G>A on the coding strand, the complement: CEP120 is on the minus strand). VCF-style: chr5-123412422-C-T. GRCh37 (hg19) VCF-style: chr5-122748116-C-T.
Other names: c.362G>A, p.Gly121Glu (NM_001166226.2); c.440G>A, p.Gly147Glu (NM_001375406.1, NM_001375407.1, NM_153223.4); c.-309G>A (NM_001375408.1); c.-251G>A (NM_001375409.1); short protein forms G121E, G147E.
Identifiers: ClinVar variation 4082905 (VCV004082905.1).
Genomic context (GRCh38, chr5:123,412,422, plus strand): 5'-ACTTCTCAGAGAATGTTTTTAGAGATGATGCACAAACCTTTTCCATCTCGAGGGGGAGCC[C>T]CCTTTGCTTTAAAGCTATCCACTGGTGGCTTTGTATCGGTTTCCAAAGCAATACTTATCT-3'
Protein context (NP_001362334.1, residues 137-157): KPPVDSFKAK[Gly147Glu]APPRDGKVPA

ClinVar aggregate classification (germline): Uncertain significance (1 of 4 stars; one submission).

gnomAD v4.1: 1 of 1,604,316 alleles (0.000062%); highest among the groups gnomAD compares: African/African-American, 0.0013%; no homozygotes.

Submission:

GeneDx
Classification: Uncertain significance. Last evaluated: 2025-03-11. Review status: criteria provided, single submitter. Criteria: GeneDx Variant Classification Process June 2021. Collection method: clinical testing. Allele origin: germline. Affected: yes.
Comment: Not observed at significant frequency in large population cohorts (gnomAD); In silico analysis indicates that this missense variant does not alter protein structure/function; Has not been previously published as pathogenic or benign to our knowledge